The following is an entry in ClinVar:

ClinVar aggregate classification (germline): Conflicting classifications of pathogenicity. Review status: criteria provided, conflicting classifications (1 of 4 stars). 8 submissions from 8 submitters: Uncertain significance (5); Likely benign (3). Last evaluated 2025-12-22.

Conditions:
Hereditary cancer. Identifiers: MedGen C1333600.
RECON progeroid syndrome (RECON). Identifiers: MedGen C5830504, MONDO:0957266, OMIM 620370.

Allele frequency attached by ClinVar (database versions not stated): ESP Exome Variant Server 0.00008; gnomAD 0.00014 and 0.00015; gnomAD exomes 0.00015 and 0.00019; ExAC 0.00018; TOPMed 0.00019; 1000 Genomes Project 0.00040; 1000 Genomes Project 30x 0.00047.
gnomAD v4.1: 259 of 1,612,524 alleles (0.016%); highest among the groups gnomAD compares: Middle Eastern, 0.15%; no homozygotes.

Submissions (8):

Labcorp Genetics (formerly Invitae), Labcorp
Classification: Uncertain significance. Last evaluated: 2025-12-22. Review status: criteria provided, single submitter. Criteria: Invitae Variant Classification Sherloc (09022015). Collection method: clinical testing. Allele origin: germline.
Comment: This sequence change replaces isoleucine, which is neutral and non-polar, with valine, which is neutral and non-polar, at codon 489 of the RECQL protein (p.Ile489Val). This variant is present in population databases (rs146077019, gnomAD 0.05%). This missense change has been observed in individual(s) with breast cancer, pancreatic cancer, and/or stomach cancer (PMID: 19768149, 35264596, 35534704). ClinVar contains an entry for this variant (Variation ID: 584806). Invitae Evidence Modeling of protein sequence and biophysical properties (such as structural, functional, and spatial information, amino acid conservation, physicochemical variation, residue mobility, and thermodynamic stability) indicates that this missense variant is not expected to disrupt RECQL protein function with a negative predictive value of 80%. In summary, the available evidence is currently insufficient to determine the role of this variant in disease. Therefore, it has been classified as a Variant of Uncertain Significance.

GeneDx
Classification: Uncertain significance. Last evaluated: 2025-08-20. Review status: criteria provided, single submitter. Criteria: GeneDx Variant Classification Process June 2021. Collection method: clinical testing. Allele origin: germline. Affected: yes.
Comment: Observed in individuals with breast cancer, leukemia, or pancreatic cancer (PMID: 19768149, 35264596, 35534704); In silico analysis suggests that this missense variant does not alter protein structure/function; Variants in candidate genes are classified as variants of uncertain significance in accordance with ACMG guidelines (PMID: 25741868); This variant is associated with the following publications: (PMID: 35264596, 19768149, 35534704, 27248010, 19151156, 23396353)

Quest Diagnostics Nichols Institute San Juan Capistrano
Classification: Uncertain significance. Last evaluated: 2024-10-23. Review status: criteria provided, single submitter. Criteria: Quest Diagnostics criteria. Collection method: clinical testing. Allele origin: unknown.
Comment: The RECQL c.1465A>G (p.Ile489Val) variant has been reported in the published literature in individuals with stomach cancer (PMID: 35534704 (2022)), pancreatic cancer (PMID: 19768149 (2009)), breast cancer (PMID: 35264596 (2022), 33471991 (2021) see also LOVD), and reportedly healthy individuals (PMID: 33471991 (2021) see also LOVD). The frequency of this variant in the general population, 0.00046 (14/30580 chromosomes in South Asian subpopulation (Genome Aggregation Database)), is higher than would generally be expected for pathogenic variants in this gene. Analysis of this variant using bioinformatics tools for the prediction of the effect of amino acid changes on protein structure and function yielded predictions that this variant is benign. Based on the available information, we are unable to determine the clinical significance of this variant.

Blueprint Genetics
Classification: Likely benign. Last evaluated: 2024-10-16. Review status: criteria provided, single submitter. Criteria: ACMG Guidelines, 2015. Collection method: clinical testing. Allele origin: germline.

Fulgent Genetics
Classification: Uncertain significance for RECON progeroid syndrome. Last evaluated: 2024-02-28. Review status: criteria provided, single submitter. Criteria: ACMG Guidelines, 2015. Collection method: clinical testing. Allele origin: germline.

Mendelics
Classification: Likely benign for Hereditary cancer. Last evaluated: 2024-01-23. Review status: criteria provided, single submitter. Criteria: ACMG Guidelines, 2015. Collection method: clinical testing. Allele origin: unknown.

Department of Pathology and Laboratory Medicine, Sinai Health System
Classification: Uncertain significance for RECON progeroid syndrome. Last evaluated: 2023-02-27. Review status: criteria provided, single submitter. Criteria: ACMG Guidelines, 2015. Collection method: research. Allele origin: germline.

Ambry Genetics
Classification: Likely benign. Last evaluated: 2020-06-25. Review status: criteria provided, single submitter. Criteria: Ambry Variant Classification Scheme 2023. Collection method: clinical testing. Allele origin: germline.

Literature cited by the submitters: PubMed 19768149 (cited by Labcorp Genetics (formerly Invitae), Labcorp and Quest Diagnostics Nichols Institute San Juan Capistrano); PubMed 35264596 (cited by Labcorp Genetics (formerly Invitae), Labcorp and Quest Diagnostics Nichols Institute San Juan Capistrano); PubMed 35534704 (cited by Labcorp Genetics (formerly Invitae), Labcorp and Quest Diagnostics Nichols Institute San Juan Capistrano); PubMed 33471991 (cited by Quest Diagnostics Nichols Institute San Juan Capistrano).

NM_002907.4(RECQL):c.1465A>G (p.Ile489Val)

Gene: RECQL (RecQ like helicase; minus strand). Cytogenetic location: 12p12.1.
Variant type: single nucleotide variant.
Coding change: c.1465A>G on transcript NM_002907.4 (MANE Select); coding-DNA position 1465, A replaced by G.
Protein change: p.Ile489Val; replaces isoleucine 489 with valine.
Molecular consequence: missense variant.
Genome position (GRCh38, 1-based): chr12:21,471,630, T>C on the plus strand (A>G on the coding strand, the complement: RECQL is on the minus strand). VCF-style: chr12-21471630-T-C. GRCh37 (hg19) VCF-style: chr12-21624564-T-C.
Other names: c.1465A>G, p.Ile489Val (NM_032941.3); short protein forms I489V.
Identifiers: ClinVar variation 584806 (VCV000584806.26), dbSNP rs146077019, ClinGen allele CA6478735.